The following is an entry in ClinVar:

ClinVar aggregate classification (germline): Uncertain significance. Review status: criteria provided, multiple submitters, no conflicts (2 of 4 stars). 2 submissions from 2 submitters: Uncertain significance (2). Last evaluated 2025-01-16.

Conditions:
Holoprosencephaly 11 (HPE11). Identifiers: Orphanet 2162, MedGen C3280215, MONDO:0013642, OMIM 614226.
Inborn genetic diseases. Identifiers: MedGen C0950123, MeSH D030342.

gnomAD v4.1: 3 of 1,614,164 alleles (0.00019%); highest among the groups gnomAD compares: South Asian, 0.0022%; no homozygotes.

Submissions (2):

Ambry Genetics
Classification: Uncertain significance for Inborn genetic diseases. Last evaluated: 2025-01-16. Review status: criteria provided, single submitter. Criteria: Ambry Variant Classification Scheme 2023. Collection method: clinical testing. Allele origin: germline.

Labcorp Genetics (formerly Invitae), Labcorp
Classification: Uncertain significance for Holoprosencephaly 11. Last evaluated: 2022-11-17. Review status: criteria provided, single submitter. Criteria: Invitae Variant Classification Sherloc (09022015). Collection method: clinical testing. Allele origin: germline.
Comment: This variant has not been reported in the literature in individuals affected with CDON-related conditions. This variant is not present in population databases (gnomAD no frequency). This sequence change replaces valine, which is neutral and non-polar, with leucine, which is neutral and non-polar, at codon 412 of the CDON protein (p.Val412Leu). In summary, the available evidence is currently insufficient to determine the role of this variant in disease. Therefore, it has been classified as a Variant of Uncertain Significance. Advanced modeling of protein sequence and biophysical properties (such as structural, functional, and spatial information, amino acid conservation, physicochemical variation, residue mobility, and thermodynamic stability) performed at Invitae indicates that this missense variant is not expected to disrupt CDON protein function.

NM_001378964.1(CDON):c.1234G>T (p.Val412Leu)

Gene: CDON (cell adhesion associated, oncogene regulated; minus strand). Cytogenetic location: 11q24.2.
Variant type: single nucleotide variant.
Coding change: c.1234G>T on transcript NM_001378964.1 (MANE Select); coding-DNA position 1234, G replaced by T.
Protein change: p.Val412Leu; replaces valine 412 with leucine.
Molecular consequence: missense variant.
Genome position (GRCh38, 1-based): chr11:126,010,659, C>A on the plus strand (G>T on the coding strand, the complement: CDON is on the minus strand). VCF-style: chr11-126010659-C-A. GRCh37 (hg19) VCF-style: chr11-125880554-C-A.
Other names: c.1234G>T, p.Val412Leu (NM_001243597.3, NM_016952.6); short protein forms V412L.
Identifiers: ClinVar variation 2873384 (VCV002873384.4), dbSNP rs1410111649, ClinGen allele CA383209864.